The following is an entry in ClinVar:

NM_017763.6(RNF43):c.2224G>A (p.Glu742Lys)

Gene: RNF43 (ring finger protein 43; minus strand). Cytogenetic location: 17q22.
Variant type: single nucleotide variant.
Coding change: c.2224G>A on transcript NM_017763.6 (MANE Select); coding-DNA position 2224, G replaced by A.
Protein change: p.Glu742Lys; replaces glutamic acid 742 with lysine.
Molecular consequence: missense variant.
Genome position (GRCh38, 1-based): chr17:58,357,552, C>T on the plus strand (G>A on the coding strand, the complement: RNF43 is on the minus strand). VCF-style: chr17-58357552-C-T. GRCh37 (hg19) VCF-style: chr17-56434913-C-T.
Other names: c.2224G>A, p.Glu742Lys (NM_001305544.3); c.1843G>A, p.Glu615Lys (NM_001305545.2); short protein forms E615K, E742K.
Identifiers: ClinVar variation 3384291 (VCV003384291.2).

ClinVar aggregate classification (germline): Uncertain significance. Review status: criteria provided, multiple submitters, no conflicts (2 of 4 stars). 2 submissions from 2 submitters: Uncertain significance (2). Last evaluated 2025-06-18.

gnomAD v4.1: 1 of 1,614,220 alleles (0.000062%); highest among the groups gnomAD compares: East Asian, 0.0022%; no homozygotes.

Submissions (2):

Ambry Genetics
Classification: Uncertain significance. Last evaluated: 2025-06-18. Review status: criteria provided, single submitter. Criteria: Ambry Variant Classification Scheme 2023. Collection method: clinical testing. Allele origin: germline.
Comment: The p.E742K variant (also known as c.2224G>A), located in coding exon 8 of the RNF43 gene, results from a G to A substitution at nucleotide position 2224. The glutamic acid at codon 742 is replaced by lysine, an amino acid with similar properties. This amino acid position is conserved. In addition, this alteration is predicted to be tolerated by in silico analysis. Based on the available evidence, the clinical significance of this variant remains unclear.

GeneDx
Classification: Uncertain significance. Last evaluated: 2024-06-06. Review status: criteria provided, single submitter. Criteria: GeneDx Variant Classification Process June 2021. Collection method: clinical testing. Allele origin: germline. Affected: yes.
Comment: Not observed at significant frequency in large population cohorts (gnomAD); In silico analysis indicates that this missense variant does not alter protein structure/function; Has not been previously published as pathogenic or benign to our knowledge; Variants in candidate genes are classified as variants of uncertain significance in accordance with ACMG guidelines (PMID: 25741868)